The following is an entry in ClinVar:

ClinVar aggregate classification (germline): Conflicting classifications of pathogenicity. Review status: criteria provided, conflicting classifications (1 of 4 stars). 2 submissions from 2 submitters: Pathogenic (1); Uncertain significance (1). Last evaluated 2025-07-21.

Conditions:
XPO1-associated Neurodevelopmental Disorder.

Submissions (2):

Genome Diagnostics Laboratory, University Medical Center Utrecht
Classification: Pathogenic for XPO1-associated Neurodevelopmental Disorder. Last evaluated: 2025-07-21. Review status: criteria provided, single submitter. Criteria: ACMG Guidelines, 2015. Collection method: research. Allele origin: germline. Affected: yes.
Comment: ACMG/AMP (Richards et al, 2015): PVS1, PS2, PM2

Labcorp Genetics (formerly Invitae), Labcorp
Classification: Uncertain significance. Last evaluated: 2020-05-04. Review status: criteria provided, single submitter. Criteria: Invitae Variant Classification Sherloc (09022015). Collection method: clinical testing. Allele origin: germline.
Comment: This sequence change creates a premature translational stop signal (p.Arg305*) in the XPO1 gene. It is expected to result in an absent or disrupted protein product. This variant is not present in population databases (ExAC no frequency). This variant has not been reported in the literature in individuals with XPO1-related conditions. The current clinical and genetic evidence is not sufficient to establish whether loss-of-function variants in XPO1 cause disease. In summary, the available evidence is currently insufficient to determine the role of this variant in disease. Therefore, it has been classified as a Variant of Uncertain Significance.

NM_003400.4(XPO1):c.913C>T (p.Arg305Ter)

Gene: XPO1 (exportin 1; minus strand). Cytogenetic location: 2p15.
Variant type: single nucleotide variant.
Coding change: c.913C>T on transcript NM_003400.4 (MANE Select); coding-DNA position 913, C replaced by T.
Protein change: p.Arg305Ter; replaces arginine 305 with a stop codon.
Molecular consequence: nonsense.
Genome position (GRCh38, 1-based): chr2:61,495,589, G>A on the plus strand (C>T on the coding strand, the complement: XPO1 is on the minus strand). VCF-style: chr2-61495589-G-A. GRCh37 (hg19) VCF-style: chr2-61722724-G-A.
Other names: short protein forms R305*.
Identifiers: ClinVar variation 1063817 (VCV001063817.3), dbSNP rs61761632, ClinGen allele CA346983369.